The following is an entry in ClinVar:

ClinVar aggregate classification (germline): Uncertain significance. Review status: criteria provided, multiple submitters, no conflicts (2 of 4 stars). 2 submissions from 2 submitters: Uncertain significance (2). Last evaluated 2025-05-05.

Allele frequency attached by ClinVar (database versions not stated): gnomAD 0.00001; TOPMed 0.00001; gnomAD exomes 0.00002; ExAC 0.00003.
gnomAD v4.1: 27 of 1,613,792 alleles (0.0017%); highest among the groups gnomAD compares: African/African-American, 0.0027%; no homozygotes.

Submissions (2):

Labcorp Genetics (formerly Invitae), Labcorp
Classification: Uncertain significance. Last evaluated: 2025-05-05. Review status: criteria provided, single submitter. Criteria: Invitae Variant Classification Sherloc (09022015). Collection method: clinical testing. Allele origin: germline.
Comment: This sequence change replaces glutamic acid, which is acidic and polar, with lysine, which is basic and polar, at codon 278 of the ATPAF2 protein (p.Glu278Lys). This variant is present in population databases (rs775851505, gnomAD 0.005%). This variant has not been reported in the literature in individuals affected with ATPAF2-related conditions. ClinVar contains an entry for this variant (Variation ID: 2177967). An algorithm developed to predict the effect of missense changes on protein structure and function (PolyPhen-2) suggests that this variant is likely to be tolerated. In summary, the available evidence is currently insufficient to determine the role of this variant in disease. Therefore, it has been classified as a Variant of Uncertain Significance.

Ambry Genetics
Classification: Uncertain significance. Last evaluated: 2024-03-28. Review status: criteria provided, single submitter. Criteria: Ambry Variant Classification Scheme 2023. Collection method: clinical testing. Allele origin: germline.

NM_145691.4(ATPAF2):c.832G>A (p.Glu278Lys)

Gene: ATPAF2 (ATP synthase mitochondrial F1 complex assembly factor 2; minus strand). Cytogenetic location: 17p11.2.
Variant type: single nucleotide variant.
Coding change: c.832G>A on transcript NM_145691.4 (MANE Select); coding-DNA position 832, G replaced by A.
Protein change: p.Glu278Lys; replaces glutamic acid 278 with lysine.
Molecular consequence: missense variant.
Genome position (GRCh38, 1-based): chr17:18,018,587, C>T on the plus strand (G>A on the coding strand, the complement: ATPAF2 is on the minus strand). VCF-style: chr17-18018587-C-T. GRCh37 (hg19) VCF-style: chr17-17921901-C-T.
Other names: c.832G>A (NM_145691.3); short protein forms E278K.
Identifiers: ClinVar variation 2177967 (VCV002177967.5), dbSNP rs775851505, ClinGen allele CA8421735.